The following is an entry in ClinVar:

NM_001330311.2(DVL1):c.1398G>T (p.Glu466Asp)

Gene: DVL1 (dishevelled segment polarity protein 1; minus strand). Cytogenetic location: 1p36.33.
Variant type: single nucleotide variant.
Coding change: c.1398G>T on transcript NM_001330311.2 (MANE Select); coding-DNA position 1398, G replaced by T.
Protein change: p.Glu466Asp; replaces glutamic acid 466 with aspartic acid.
Molecular consequence: missense variant.
Genome position (GRCh38, 1-based): chr1:1,338,378, C>A on the plus strand (G>T on the coding strand, the complement: DVL1 is on the minus strand). VCF-style: chr1-1338378-C-A. GRCh37 (hg19) VCF-style: chr1-1273758-C-A.
Other names: c.1323G>T, p.Glu441Asp (NM_004421.3); short protein forms E441D, E466D.
Identifiers: ClinVar variation 1425836 (VCV001425836.9), dbSNP rs2100718483, ClinGen allele CA337862561.

ClinVar aggregate classification (germline): Conflicting classifications of pathogenicity. Review status: criteria provided, conflicting classifications (1 of 4 stars). 2 submissions from 2 submitters: Uncertain significance (1); Likely benign (1). Last evaluated 2022-06-27.

Conditions:
Autosomal dominant Robinow syndrome 2. Identifiers: Orphanet 3107, Orphanet 97360, MedGen C4225363, MONDO:0014591, OMIM 616331.

Allele frequency attached by ClinVar (database versions not stated): gnomAD exomes below 0.00001.
gnomAD v4.1: 5 of 1,612,542 alleles (0.00031%); highest among the groups gnomAD compares: Non-Finnish European, 0.00042%; no homozygotes.

Submissions (2):

Labcorp Genetics (formerly Invitae), Labcorp
Classification: Uncertain significance. Last evaluated: 2022-06-27. Review status: criteria provided, single submitter. Criteria: Invitae Variant Classification Sherloc (09022015). Collection method: clinical testing. Allele origin: germline.
Comment: This variant has not been reported in the literature in individuals affected with DVL1-related conditions. Algorithms developed to predict the effect of missense changes on protein structure and function are either unavailable or do not agree on the potential impact of this missense change (SIFT: "Tolerated"; PolyPhen-2: "Probably Damaging"; Align-GVGD: "Class C0"). In summary, the available evidence is currently insufficient to determine the role of this variant in disease. Therefore, it has been classified as a Variant of Uncertain Significance. This sequence change replaces glutamic acid, which is acidic and polar, with aspartic acid, which is acidic and polar, at codon 441 of the DVL1 protein (p.Glu441Asp). This variant is not present in population databases (gnomAD no frequency).

Victorian Clinical Genetics Services, Murdoch Childrens Research Institute
Classification: Likely benign for Autosomal dominant Robinow syndrome 2. Last evaluated: 2021-05-06. Review status: criteria provided, single submitter. Criteria: ACMG Guidelines, 2015. Collection method: clinical testing. Allele origin: germline. Inheritance: Autosomal dominant inheritance. Affected: yes.
Comment: Based on the classification scheme VCGS_Germline_v1.3.4, this variant is classified as Likely Benign. Following criteria are met: 0101 - Gain of function is a known mechanism of disease in this gene and is associated with autosomal dominant Robinow syndrome 2 (MIM#616331). Pathogenic truncating variants that escape nonsense-mediated decay (NMD) have been shown to result in increased canonical WNT activity (PMID: 25817014, PMID: 25817016). (I) 0107 - This gene is associated with autosomal dominant disease. (I) 0200 - Variant is predicted to result in a missense amino acid change from glutamic acid to aspartic acid. (I) 0251 - This variant is heterozygous. (I) 0301 - Variant is absent from gnomAD (both v2 and v3). (SP) 0309 - An alternative amino acid change at the same position has been observed in gnomAD (v2) (1 heterozygote, 0 homozygotes). (I) 0503 - Missense variant consistently predicted to be tolerated by multiple in silico tools and not conserved in placental mammals with a minor amino acid change. (SB) 0600 - Variant is located in the annotated DEP dishevelled domain (NCBI). (I) 0705 - No comparable missense variants have previous evidence for pathogenicity. (I) 0807 - This variant has no previous evidence of pathogenicity. (I) 0904 - Non-segregation of this variant with the phenotype under investigation has been clearly demonstrated. (SB) 1007 - No published functional evidence has been identified for this variant. (I) 1102 - Strong phenotype match for this individual. (I) Legend: (SP) - Supporting pathogenic, (I) - Information, (SB) - Supporting benign

Literature cited by the submitters: PubMed 25817014 (cited by Victorian Clinical Genetics Services, Murdoch Childrens Research Institute); PubMed 25817016 (cited by Victorian Clinical Genetics Services, Murdoch Childrens Research Institute).